The following is an entry in ClinVar:

NM_004994.3(MMP9):c.1173A>G (p.Gln391=)

Gene: MMP9 (matrix metallopeptidase 9; plus strand). Cytogenetic location: 20q13.12.
Variant type: single nucleotide variant.
Coding change: c.1173A>G on transcript NM_004994.3 (MANE Select); coding-DNA position 1173, A replaced by G.
Protein change: p.Gln391=; no amino-acid change (glutamine 391 retained).
Molecular consequence: synonymous variant.
Genome position (GRCh38, 1-based): chr20:46,012,312, A>G. VCF-style: chr20-46012312-A-G. GRCh37 (hg19) VCF-style: chr20-44640951-A-G.
Identifiers: ClinVar variation 2066358 (VCV002066358.4), dbSNP rs2515613846, ClinGen allele CA510643519.
Genomic context (GRCh38, chr20:46,012,312, plus strand): 5'-CTGGTGCGCTACCACCTCGAACTTTGACAGCGACAAGAAGTGGGGCTTCTGCCCGGACCA[A>G]GGTAGGCGTGGTCCCGCGGCTCCGGGGCTGGGGTTCCCGGCAGTGGTGGTGGTGGGGTGG-3'
Protein context (NP_004985.2, residues 381-401): SDKKWGFCPD[Gln391=]GYSLFLVAAH

ClinVar aggregate classification (germline): Uncertain significance (1 of 4 stars; one submission).

Submission:

Labcorp Genetics (formerly Invitae), Labcorp
Classification: Uncertain significance. Last evaluated: 2022-02-01. Review status: criteria provided, single submitter. Criteria: Invitae Variant Classification Sherloc (09022015). Collection method: clinical testing. Allele origin: germline.
Comment: This sequence change affects codon 391 of the MMP9 mRNA. It is a 'silent' change, meaning that it does not change the encoded amino acid sequence of the MMP9 protein. It affects a nucleotide within the consensus splice site. This variant is not present in population databases (gnomAD no frequency). In summary, the available evidence is currently insufficient to determine the role of this variant in disease. Therefore, it has been classified as a Variant of Uncertain Significance. Algorithms developed to predict the effect of sequence changes on RNA splicing suggest that this variant may disrupt the consensus splice site. This variant has not been reported in the literature in individuals affected with MMP9-related conditions.